The following is an entry in ClinVar:

NM_201384.3(PLEC):c.6842C>T (p.Ala2281Val)

Gene: PLEC (plectin; minus strand). Cytogenetic location: 8q24.3.
Variant type: single nucleotide variant.
Coding change: c.6842C>T on transcript NM_201384.3 (MANE Select); coding-DNA position 6842, C replaced by T.
Protein change: p.Ala2281Val; replaces alanine 2281 with valine.
Molecular consequence: missense variant.
Genome position (GRCh38, 1-based): chr8:143,923,087, G>A on the plus strand (C>T on the coding strand, the complement: PLEC is on the minus strand). VCF-style: chr8-143923087-G-A. GRCh37 (hg19) VCF-style: chr8-144997255-G-A.
Other names: c.6923C>T, p.Ala2308Val (NM_000445.5); c.6800C>T, p.Ala2267Val (NM_201378.4); c.6776C>T, p.Ala2259Val (NM_201379.3); c.7253C>T, p.Ala2418Val (NM_201380.4); c.6746C>T, p.Ala2249Val (NM_201381.3); c.6842C>T, p.Ala2281Val (NM_201382.4); c.6854C>T, p.Ala2285Val (NM_201383.3); short protein forms A2418V, A2281V, A2259V, A2267V, A2249V, A2285V, A2308V.
Identifiers: ClinVar variation 281594 (VCV000281594.17), dbSNP rs371130595, ClinGen allele CA4925833.
Genomic context (GRCh38, chr8:143,923,087, plus strand): 5'-AGGTCCTCCTCTGCCAGCTGCCGCAGTCGCGCAGCCTCTTGGGCCGCCACACTCAGCCGC[G>A]CGGCCTCCTCCGCCACCTGCTTCATCTTCTCAGCCTCCTCCTGCAGGAAGCGCTGCGTAT-3'
Protein context (NP_958786.1, residues 2271-2291): EKMKQVAEEA[Ala2281Val]RLSVAAQEAA

ClinVar aggregate classification (germline): Uncertain significance. Review status: criteria provided, multiple submitters, no conflicts (2 of 4 stars). 5 submissions from 5 submitters: Uncertain significance (5). Last evaluated 2025-11-15.

Conditions:
Inborn genetic diseases. Identifiers: MedGen C0950123, MeSH D030342.
Epidermolysis bullosa simplex with nail dystrophy (EBS5D). Identifiers: MedGen C4225309, MONDO:0014661, OMIM 616487.
Epidermolysis bullosa simplex 5C, with pyloric atresia (EBS5C). Also called: PLEC-Related Epidermolysis Bullosa with Pyloric Atresia; Epidermolysis bullosa simplex with pyloric atresia; PLEC1-Related Epidermolysis Bullosa with Pyloric Atresia. Identifiers: Orphanet 158684, MedGen C2677349, MONDO:0012807, OMIM 612138.
Autosomal recessive limb-girdle muscular dystrophy type 2Q (LGMDR17). Also called: MUSCULAR DYSTROPHY, LIMB-GIRDLE, AUTOSOMAL RECESSIVE 17. Identifiers: Orphanet 254361, MedGen C3150989, MONDO:0013390, OMIM 613723.
Epidermolysis bullosa simplex 5B, with muscular dystrophy (EBS5B). Also called: EPIDERMOLYSIS BULLOSA SIMPLEX AND LIMB-GIRDLE MUSCULAR DYSTROPHY; Epidermolysis bullosa simplex with muscular dystrophy. Identifiers: Orphanet 257, MedGen C2931072, MONDO:0009181, OMIM 226670.
Epidermolysis bullosa simplex, Ogna type (EBS5A). Also called: Pidermolysis bullosa simplex 5A, Ogna type; EPIDERMOLYSIS BULLOSA SIMPLEX 5A, OGNA TYPE. Identifiers: Orphanet 79401, MedGen C0432317, MONDO:0007555, OMIM 131950.

Allele frequency attached by ClinVar (database versions not stated): ExAC 0.00005; gnomAD exomes 0.00007 and 0.00012; gnomAD 0.00010 and 0.00011; TOPMed 0.00014; ESP Exome Variant Server 0.00015.
gnomAD v4.1: 212 of 1,607,052 alleles (0.013%); highest among the groups gnomAD compares: Non-Finnish European, 0.015%; no homozygotes.

Submissions (5):

Labcorp Genetics (formerly Invitae), Labcorp
Classification: Uncertain significance for Autosomal recessive limb-girdle muscular dystrophy type 2Q; Epidermolysis bullosa simplex, Ogna type; Epidermolysis bullosa simplex with nail dystrophy; Epidermolysis bullosa simplex 5C, with pyloric atresia; Epidermolysis bullosa simplex 5B, with muscular dystrophy. Last evaluated: 2025-11-15. Review status: criteria provided, single submitter. Criteria: Invitae Variant Classification Sherloc (09022015). Collection method: clinical testing. Allele origin: germline.
Comment: This sequence change replaces alanine, which is neutral and non-polar, with valine, which is neutral and non-polar, at codon 2308 of the PLEC protein (p.Ala2308Val). This variant is present in population databases (rs371130595, gnomAD 0.01%). This variant has not been reported in the literature in individuals affected with PLEC-related conditions. ClinVar contains an entry for this variant (Variation ID: 281594). An algorithm developed to predict the effect of missense changes on protein structure and function (PolyPhen-2) suggests that this variant is likely to be disruptive. In summary, the available evidence is currently insufficient to determine the role of this variant in disease. Therefore, it has been classified as a Variant of Uncertain Significance.

Ambry Genetics
Classification: Uncertain significance for Inborn genetic diseases. Last evaluated: 2024-10-20. Review status: criteria provided, single submitter. Criteria: Ambry Variant Classification Scheme 2023. Collection method: clinical testing. Allele origin: germline.

Athena Diagnostics
Classification: Uncertain significance. Last evaluated: 2021-10-27. Review status: criteria provided, single submitter. Criteria: Athena Diagnostics Criteria. Collection method: clinical testing. Allele origin: unknown.

Revvity Omics, Revvity
Classification: Uncertain significance. Last evaluated: 2020-02-24. Review status: criteria provided, single submitter. Criteria: ACMG Guidelines, 2015. Collection method: clinical testing. Allele origin: germline.

Eurofins Ntd Llc (ga)
Classification: Uncertain significance. Last evaluated: 2015-07-15. Review status: criteria provided, single submitter. Criteria: EGL Classification Definitions 2015. Collection method: clinical testing. Allele origin: germline. Observed: 1 variant allele, 1 heterozygote.